The following is an entry in ClinVar:

NM_021939.4(FKBP10):c.1374G>A (p.Pro458=)

Gene: FKBP10 (FKBP prolyl isomerase 10; plus strand). Cytogenetic location: 17q21.2.
Variant type: single nucleotide variant.
Coding change: c.1374G>A on transcript NM_021939.4 (MANE Select); coding-DNA position 1374, G replaced by A.
Protein change: p.Pro458=; no amino-acid change (proline 458 retained).
Molecular consequence: synonymous variant.
Genome position (GRCh38, 1-based): chr17:41,821,064, G>A. VCF-style: chr17-41821064-G-A. GRCh37 (hg19) VCF-style: chr17-39977316-G-A.
Identifiers: ClinVar variation 323193 (VCV000323193.19), dbSNP rs201069033, ClinGen allele CA8566627.
Genomic context (GRCh38, chr17:41,821,064, plus strand): 5'-CCTGGACACGGGCCTGCAGGGCATGTGTGTGGGAGAGAGGCGGCAGCTCATCGTGCCCCC[G>A]CACCTGGCCCACGGGGAGAGTGGAGGTGAGGGGCTGAGACCATAATCTTTTTTTTTTTTT-3'
Protein context (NP_068758.3, residues 448-468): VGERRQLIVP[Pro458=]HLAHGESGAR

ClinVar aggregate classification (germline): Benign/Likely benign. Review status: criteria provided, multiple submitters, no conflicts (2 of 4 stars). 5 submissions from 5 submitters: Benign (3); Likely benign (1). 1 of the submissions does not count toward it. Last evaluated 2026-02-02.

Conditions:
FKBP10-related disorder. Also called: FKBP10-related condition.
Osteogenesis imperfecta type 11. Also called: OI, TYPE XI; Osteogenesis imperfecta, type XI. Identifiers: Orphanet 666, MedGen C3151218, MONDO:0012592, OMIM 610968.

Allele frequency attached by ClinVar (database versions not stated): gnomAD 0.00040 and 0.00053; TOPMed 0.00060; gnomAD exomes 0.00161; ExAC 0.00216; 1000 Genomes Project 30x 0.00281; 1000 Genomes Project 0.00300.
gnomAD v4.1: 935 of 1,522,882 alleles (0.061%); highest among the groups gnomAD compares: East Asian, 2.3%; 8 homozygotes.

Submissions (5):

Labcorp Genetics (formerly Invitae), Labcorp
Classification: Benign. Last evaluated: 2026-02-02. Review status: criteria provided, single submitter. Criteria: Invitae Variant Classification Sherloc (09022015). Collection method: clinical testing. Allele origin: germline.

Blueprint Genetics
Classification: Likely benign. Last evaluated: 2024-10-24. Review status: criteria provided, single submitter. Criteria: ACMG Guidelines, 2015. Collection method: clinical testing. Allele origin: germline.

GeneDx
Classification: Benign. Last evaluated: 2021-06-30. Review status: criteria provided, single submitter. Criteria: GeneDx Variant Classification Process June 2021. Collection method: clinical testing. Allele origin: germline. Affected: yes.

Illumina Laboratory Services, Illumina
Classification: Benign for Osteogenesis imperfecta type 11. Last evaluated: 2018-01-12. Review status: criteria provided, single submitter. Criteria: ICSL Variant Classification Criteria 13 December 2019. Collection method: clinical testing. Allele origin: germline.
Comment: This variant was observed in the ICSL laboratory as part of a predisposition screen in an ostensibly healthy population. It had not been previously curated by ICSL or reported in the Human Gene Mutation Database (HGMD: prior to June 1st, 2018), and was therefore a candidate for classification through an automated scoring system. Utilizing variant allele frequency, disease prevalence and penetrance estimates, and inheritance mode, an automated score was calculated to assess if this variant is too frequent to cause the disease. Based on the score and internal cut-off values, a variant classified as benign is not then subjected to further curation. The score for this variant resulted in a classification of benign for this disease.

PreventionGenetics, part of Exact Sciences
Classification: Benign for FKBP10-related condition. Last evaluated: 2019-11-08. Review status: no assertion criteria provided. Collection method: clinical testing. Allele origin: germline. Not counted in ClinVar's aggregate classification.
Comment: This variant is classified as benign based on ACMG/AMP sequence variant interpretation guidelines (Richards et al. 2015 PMID: 25741868, with internal and published modifications).